The following is an entry in ClinVar:

ClinVar aggregate classification (germline): Uncertain significance (0 of 4 stars; one submission).

Conditions:
SEMA3E-related disorder. Also called: SEMA3E-related condition.

Submission:

PreventionGenetics, part of Exact Sciences
Classification: Uncertain significance for SEMA3E-related condition. Last evaluated: 2024-09-18. Review status: no assertion criteria provided. Collection method: clinical testing. Allele origin: germline.
Comment: The SEMA3E c.1312G>A variant is predicted to result in the amino acid substitution p.Val438Ile. To our knowledge, this variant has not been reported in the literature or in a large population database, indicating this variant is rare. At this time, the clinical significance of this variant is uncertain due to the absence of conclusive functional and genetic evidence.

NM_012431.3(SEMA3E):c.1312G>A (p.Val438Ile)

Gene: SEMA3E (semaphorin 3E; minus strand). Cytogenetic location: 7q21.11.
Variant type: single nucleotide variant.
Coding change: c.1312G>A on transcript NM_012431.3 (MANE Select); coding-DNA position 1312, G replaced by A.
Protein change: p.Val438Ile; replaces valine 438 with isoleucine.
Molecular consequence: missense variant.
Genome position (GRCh38, 1-based): chr7:83,400,082, C>T on the plus strand (G>A on the coding strand, the complement: SEMA3E is on the minus strand). VCF-style: chr7-83400082-C-T. GRCh37 (hg19) VCF-style: chr7-83029398-C-T.
Other names: c.1132G>A, p.Val378Ile (NM_001178129.2); short protein forms V378I, V438I.
Identifiers: ClinVar variation 3345530 (VCV003345530.1).